The following is an entry in ClinVar:

NM_001164508.2(NEB):c.7968G>C (p.Lys2656Asn)

Gene: NEB (nebulin; minus strand). Cytogenetic location: 2q23.3.
Variant type: single nucleotide variant.
Coding change: c.7968G>C on transcript NM_001164508.2 (MANE Select); coding-DNA position 7968, G replaced by C.
Protein change: p.Lys2656Asn; replaces lysine 2656 with asparagine.
Molecular consequence: missense variant.
Genome position (GRCh38, 1-based): chr2:151,643,342, C>G on the plus strand (G>C on the coding strand, the complement: NEB is on the minus strand). VCF-style: chr2-151643342-C-G. GRCh37 (hg19) VCF-style: chr2-152499856-C-G.
Other names: c.7968G>C, p.Lys2656Asn (NM_001164507.2, NM_001271208.2, NM_004543.5); short protein forms K2656N.
Identifiers: ClinVar variation 1967288 (VCV001967288.2), dbSNP rs2552247014, ClinGen allele CA348813979.
Genomic context (GRCh38, chr2:151,643,342, plus strand): 5'-CTCATCCTCGAGAGAACCACTAGTCATCCAGCCAATGCCTTTTAGCCACTGAAGGTCTGA[C>G]TTGTACAAATTCTGAAAGTGCAAGTGACAAATTTGTCATAATTAAATCATTTATCACAAT-3'
Protein context (NP_001157980.2, residues 2646-2666): AYDLQSDNLY[Lys2656Asn]SDLQWLKGIG

ClinVar aggregate classification (germline): Uncertain significance (1 of 4 stars; one submission).

Conditions:
Nemaline myopathy 2 (NEM2). Also called: Nemaline myopathy 2, autosomal recessive. Identifiers: MedGen C1850569, MONDO:0009725, OMIM 256030.

Submission:

Labcorp Genetics (formerly Invitae), Labcorp
Classification: Uncertain significance for Nemaline myopathy 2. Last evaluated: 2021-08-27. Review status: criteria provided, single submitter. Criteria: Invitae Variant Classification Sherloc (09022015). Collection method: clinical testing. Allele origin: germline.
Comment: This sequence change replaces lysine with asparagine at codon 2656 of the NEB protein (p.Lys2656Asn). The lysine residue is moderately conserved and there is a moderate physicochemical difference between lysine and asparagine. This variant is not present in population databases (ExAC no frequency). This variant has not been reported in the literature in individuals affected with NEB-related conditions. Algorithms developed to predict the effect of missense changes on protein structure and function are either unavailable or do not agree on the potential impact of this missense change (SIFT: "Deleterious"; PolyPhen-2: "Not Available"; Align-GVGD: "Class C0"). In summary, the available evidence is currently insufficient to determine the role of this variant in disease. Therefore, it has been classified as a Variant of Uncertain Significance.